The following is an entry in ClinVar:

NM_001378454.1(ALMS1):c.2227del (p.Val743fs)

Gene: ALMS1 (ALMS1 centrosome and basal body associated protein; plus strand). Cytogenetic location: 2p13.1.
Variant type: Deletion.
Coding change: c.2227del on transcript NM_001378454.1 (MANE Select); coding-DNA position 2227, one base deleted (G; older notation c.2227delG).
Protein change: p.Val743fs; shifts the reading frame from valine 743.
Molecular consequence: frameshift variant.
Genome position (GRCh38, 1-based): chr2:73,448,754, G deleted. VCF-style (leftmost placement, unchanged base first): chr2-73448753-AG-A. GRCh37 (hg19) VCF-style: chr2-73675880-AG-A.
Other names: c.2230del, p.Val744fs (NM_015120.4); short protein forms V743fs, V744fs.
Identifiers: ClinVar variation 4815775 (VCV004815775.1).

ClinVar aggregate classification (germline): Likely pathogenic (1 of 4 stars; one submission).

Conditions:
Alstrom syndrome (ALMS). Identifiers: Orphanet 64, MedGen C0268425, MONDO:0008763, OMIM 203800.

Submission:

Natera, Inc.
Classification: Likely pathogenic for Alstrom syndrome. Last evaluated: 2025-12-15. Review status: criteria provided, single submitter. Criteria: Natera Variant Classification Schema (03/2026). Collection method: clinical testing. Allele origin: germline.
Comment: The c.2230del variant in ALMS1 is a frameshift variant predicted to shift the reading frame beginning at codon 744 and leads to a stop codon 36 codons downstream. This variant is expected to result in nonsense mediated decay, truncation, or a dysfunctional protein product. This variant is rare in the general population with a frequency below the threshold expected for the associated phenotype(s). Given the available evidence, this variant is classified as Likely Pathogenic.